The following is an entry in ClinVar:

NM_004960.4(FUS):c.198T>C (p.Tyr66=)

Gene: FUS (FUS DNA/RNA binding protein; plus strand). Cytogenetic location: 16p11.2.
Variant type: single nucleotide variant.
Coding change: c.198T>C on transcript NM_004960.4 (MANE Select); coding-DNA position 198, T replaced by C.
Protein change: p.Tyr66=; no amino-acid change (tyrosine 66 retained).
Molecular consequence: synonymous variant. On other transcripts: non-coding transcript variant (1).
Genome position (GRCh38, 1-based): chr16:31,183,865, T>C. VCF-style: chr16-31183865-T-C. GRCh37 (hg19) VCF-style: chr16-31195186-T-C.
Other names: c.195T>C, p.Tyr65= (NM_001170634.1); c.198T>C, p.Tyr66= (NM_001170937.1).
Identifiers: ClinVar variation 540282 (VCV000540282.43), dbSNP rs144853447, ClinGen allele CA8023533.

ClinVar aggregate classification (germline): Benign/Likely benign. Review status: criteria provided, multiple submitters, no conflicts (2 of 4 stars). 7 submissions from 7 submitters: Benign (4); Likely benign (2). 1 of the submissions does not count toward it. Last evaluated 2026-01-25.

Conditions:
FUS-related disorder. Also called: FUS-related condition.
Inborn genetic diseases. Identifiers: MedGen C0950123, MeSH D030342.
Tremor, hereditary essential, 4 (ETM4). Identifiers: MedGen C3539195, MONDO:0013888, OMIM 614782.
Amyotrophic lateral sclerosis type 6. Also called: AMYOTROPHIC LATERAL SCLEROSIS 6 WITHOUT FRONTOTEMPORAL DEMENTIA; FUS-Related Amyotrophic Laterial Sclerosis; Amyotrophic lateral sclerosis 6, with or without frontotemporal dementia. Identifiers: Orphanet 275872, Orphanet 803, MedGen C2931786, MONDO:0011951, OMIM 608030.

Allele frequency attached by ClinVar (database versions not stated): gnomAD 0.00053 and 0.00056; TOPMed 0.00053; 1000 Genomes Project 30x 0.00016; 1000 Genomes Project 0.00020; ESP Exome Variant Server 0.00031; gnomAD exomes 0.00067 and 0.00070; ExAC 0.00078.
gnomAD v4.1: 1,091 of 1,614,188 alleles (0.068%); highest among the groups gnomAD compares: Admixed American, 0.11%; 1 homozygote.

Submissions (7):

Labcorp Genetics (formerly Invitae), Labcorp
Classification: Benign for Tremor, hereditary essential, 4; Amyotrophic lateral sclerosis type 6. Last evaluated: 2026-01-25. Review status: criteria provided, single submitter. Criteria: Invitae Variant Classification Sherloc (09022015). Collection method: clinical testing. Allele origin: germline.

Athena Diagnostics
Classification: Benign. Last evaluated: 2025-09-23. Review status: criteria provided, single submitter. Criteria: Athena Diagnostics Criteria. Collection method: clinical testing. Allele origin: unknown.
Comment: The frequency of this variant in the general population is higher than would generally be expected for pathogenic variants in this gene. Computational tools yielded predictions that this variant is unlikely to have an effect on normal RNA splicing. This nucleotide position exhibits low evolutionary conservation. This variant has been seen where an alternate explanation for disease was also identified.

CeGaT Center for Human Genetics Tuebingen
Classification: Likely benign. Last evaluated: 2025-08-01. Review status: criteria provided, single submitter. Criteria: CeGaT Center For Human Genetics Tuebingen Variant Classification Criteria Version 2. Collection method: clinical testing. Allele origin: germline. Affected: yes. Observed: 4 variant alleles.
Comment: FUS: BP4, BP7

Ambry Genetics
Classification: Likely benign for Inborn genetic diseases. Last evaluated: 2022-08-22. Review status: criteria provided, single submitter. Criteria: Ambry Variant Classification Scheme 2023. Collection method: clinical testing. Allele origin: germline.

Illumina Laboratory Services, Illumina
Classification: Benign for Amyotrophic lateral sclerosis type 6. Last evaluated: 2017-10-03. Review status: criteria provided, single submitter. Criteria: ICSL Variant Classification Criteria 13 December 2019. Collection method: clinical testing. Allele origin: germline.
Comment: This variant was observed as part of a predisposition screen in an ostensibly healthy population. A literature search was performed for the gene, cDNA change, and amino acid change (where applicable). Publications were found based on this search. The evidence from the literature, in combination with allele frequency data from public databases where available, was sufficient to rule this variant out of causing disease. Therefore, this variant is classified as benign.

Breakthrough Genomics
Classification: Benign. Review status: criteria provided, single submitter. Criteria: ACMG Guidelines, 2015. Collection method: not provided. Allele origin: germline. Inheritance: Autosomal dominant inheritance. Affected: yes.

PreventionGenetics, part of Exact Sciences
Classification: Likely benign for FUS-related condition. Last evaluated: 2019-09-18. Review status: no assertion criteria provided. Collection method: clinical testing. Allele origin: germline. Not counted in ClinVar's aggregate classification.
Comment: This variant is classified as likely benign based on ACMG/AMP sequence variant interpretation guidelines (Richards et al. 2015 PMID: 25741868, with internal and published modifications).

Literature cited by the submitters: PubMed 20138404 (cited by Athena Diagnostics and Illumina Laboratory Services, Illumina).